The following is an entry in ClinVar:

ClinVar aggregate classification (germline): Uncertain significance. Review status: criteria provided, multiple submitters, no conflicts (2 of 4 stars). 2 submissions from 2 submitters: Uncertain significance (2). Last evaluated 2026-02-27.

Conditions:
Neuronal ceroid lipofuscinosis. Also called: Neuronal Ceroid Lipofuscinoses. Identifiers: Orphanet 216, Orphanet 79263, MedGen C0027877, MONDO:0016295. Disease mechanism: loss of function.
Inborn genetic diseases. Identifiers: MedGen C0950123, MeSH D030342.

gnomAD v4.1: 3 of 1,607,942 alleles (0.00019%); highest among the groups gnomAD compares: Non-Finnish European, 0.00017%; no homozygotes.

Submissions (2):

Ambry Genetics
Classification: Uncertain significance for Inborn genetic diseases. Last evaluated: 2026-02-27. Review status: criteria provided, single submitter. Criteria: Ambry Variant Classification Scheme 2023. Collection method: clinical testing. Allele origin: germline.
Comment: The c.828-3C>A intronic alteration consists of a C to A substitution 3 nucleotides before coding exon 7 in the CTSD gene. The Genome Aggregation Database (gnomAD) data for this variant is unreliable due to technical and/or biological issues; therefore, population frequency estimates were not considered. This nucleotide position is not well conserved in available vertebrate species. In silico splice site analysis for this alteration is inconclusive. Based on insufficient or conflicting evidence, the clinical significance of this alteration remains unclear.

Labcorp Genetics (formerly Invitae), Labcorp
Classification: Uncertain significance for Neuronal ceroid lipofuscinosis. Last evaluated: 2022-05-20. Review status: criteria provided, single submitter. Criteria: Invitae Variant Classification Sherloc (09022015). Collection method: clinical testing. Allele origin: germline.
Comment: Variants that disrupt the consensus splice site are a relatively common cause of aberrant splicing (PMID: 17576681, 9536098). Algorithms developed to predict the effect of sequence changes on RNA splicing suggest that this variant is not likely to affect RNA splicing. In summary, the available evidence is currently insufficient to determine the role of this variant in disease. Therefore, it has been classified as a Variant of Uncertain Significance. This variant has not been reported in the literature in individuals affected with CTSD-related conditions. This variant is not present in population databases (gnomAD no frequency). This sequence change falls in intron 6 of the CTSD gene. It does not directly change the encoded amino acid sequence of the CTSD protein. It affects a nucleotide within the consensus splice site.

Literature cited by the submitters: PubMed 17576681 (cited by Labcorp Genetics (formerly Invitae), Labcorp); PubMed 9536098 (cited by Labcorp Genetics (formerly Invitae), Labcorp).

NM_001909.5(CTSD):c.828-3C>A

Gene: CTSD (cathepsin D; minus strand). Cytogenetic location: 11p15.5.
Variant type: single nucleotide variant.
Coding change: c.828-3C>A on transcript NM_001909.5 (MANE Select); 3 bases into the intron before coding-DNA position 828, C replaced by A.
Molecular consequence: intron variant.
Genome position (GRCh38, 1-based): chr11:1,754,141, G>T on the plus strand (C>A on the coding strand, the complement: CTSD is on the minus strand). VCF-style: chr11-1754141-G-T. GRCh37 (hg19) VCF-style: chr11-1775371-G-T.
Other names: c.828-3C>A (NM_001909.4).
Identifiers: ClinVar variation 1996822 (VCV001996822.5), dbSNP rs1240200492, ClinGen allele CA597430567.